The following is an entry in ClinVar:

NM_002386.4(MC1R):c.929A>G (p.Lys310Arg)

Gene: MC1R (melanocortin 1 receptor; plus strand). Cytogenetic location: 16q24.3.
Variant type: single nucleotide variant.
Coding change: c.929A>G on transcript NM_002386.4 (MANE Select); coding-DNA position 929, A replaced by G.
Protein change: p.Lys310Arg; replaces lysine 310 with arginine.
Molecular consequence: missense variant.
Genome position (GRCh38, 1-based): chr16:89,920,187, A>G. VCF-style: chr16-89920187-A-G. GRCh37 (hg19) VCF-style: chr16-89986595-A-G.
Other names: short protein forms K310R.
Identifiers: ClinVar variation 4052390 (VCV004052390.1).

ClinVar aggregate classification (germline): Uncertain significance (1 of 4 stars; one submission).

gnomAD v4.1: 1 of 1,613,956 alleles (0.000062%); highest among the groups gnomAD compares: East Asian, 0.0022%; no homozygotes.

Submission:

Ambry Genetics
Classification: Uncertain significance. Last evaluated: 2025-03-20. Review status: criteria provided, single submitter. Criteria: Ambry Variant Classification Scheme 2023. Collection method: clinical testing. Allele origin: germline.
Comment: The p.K310R variant (also known as c.929A>G), located in coding exon 1 of the MC1R gene, results from an A to G substitution at nucleotide position 929. The lysine at codon 310 is replaced by arginine, an amino acid with highly similar properties. This amino acid position is conserved. In addition, this alteration is predicted to be tolerated by in silico analysis. Based on the available evidence, the clinical significance of this variant remains unclear.